The following is an entry in ClinVar:

ClinVar aggregate classification (germline): Uncertain significance (1 of 4 stars; one submission).

Allele frequency attached by ClinVar (database versions not stated): gnomAD 0.00001; TOPMed 0.00001; ExAC 0.00002; gnomAD exomes 0.00004.
gnomAD v4.1: 60 of 1,610,706 alleles (0.0037%); highest among the groups gnomAD compares: Non-Finnish European, 0.0048%; no homozygotes.

Submission:

Labcorp Genetics (formerly Invitae), Labcorp
Classification: Uncertain significance. Last evaluated: 2024-05-06. Review status: criteria provided, single submitter. Criteria: Invitae Variant Classification Sherloc (09022015). Collection method: clinical testing. Allele origin: germline.
Comment: This sequence change replaces valine, which is neutral and non-polar, with leucine, which is neutral and non-polar, at codon 1839 of the HMCN1 protein (p.Val1839Leu). This variant is present in population databases (rs764885125, gnomAD 0.004%). This variant has not been reported in the literature in individuals affected with HMCN1-related conditions. ClinVar contains an entry for this variant (Variation ID: 2182449). Algorithms developed to predict the effect of missense changes on protein structure and function output the following: SIFT: "Not Available"; PolyPhen-2: "Benign"; Align-GVGD: "Not Available". The leucine amino acid residue is found in multiple mammalian species, which suggests that this missense change does not adversely affect protein function. In summary, the available evidence is currently insufficient to determine the role of this variant in disease. Therefore, it has been classified as a Variant of Uncertain Significance.

NM_031935.3(HMCN1):c.5515G>C (p.Val1839Leu)

Gene: HMCN1 (hemicentin 1; plus strand). Cytogenetic location: 1q31.1.
Variant type: single nucleotide variant.
Coding change: c.5515G>C on transcript NM_031935.3 (MANE Select); coding-DNA position 5515, G replaced by C.
Protein change: p.Val1839Leu; replaces valine 1839 with leucine.
Molecular consequence: missense variant.
Genome position (GRCh38, 1-based): chr1:186,019,585, G>C. VCF-style: chr1-186019585-G-C. GRCh37 (hg19) VCF-style: chr1-185988717-G-C.
Other names: short protein forms V1839L.
Identifiers: ClinVar variation 2182449 (VCV002182449.4), dbSNP rs764885125, ClinGen allele CA1292285.